The following is an entry in ClinVar:

ClinVar aggregate classification (germline): Uncertain significance (1 of 4 stars; one submission).

Conditions:
Focal segmental glomerulosclerosis 1 (FSGS1). Identifiers: Orphanet 656, MedGen C4551527, MONDO:0011303, OMIM 603278.

Submission:

Victorian Clinical Genetics Services, Murdoch Childrens Research Institute
Classification: Uncertain significance for Focal segmental glomerulosclerosis 1. Last evaluated: 2024-10-10. Review status: criteria provided, single submitter. Criteria: ACMG Guidelines, 2015. Collection method: clinical testing. Allele origin: germline. Inheritance: Autosomal dominant inheritance. Affected: yes.
Comment: Based on the classification scheme VCGS_Germline_v1.3.5, this variant is classified as VUS-3B. Following criteria are met: 0103 - Dominant negative and gain of function are suggested mechanisms of disease in this gene and are associated with glomerulosclerosis, focal segmental, 1, (MIM#603278). Functional analysis of missense variants within the binding domain demonstrates they result in both increased actin binding, and impaired wildtype protein localization with downstream consequences such as protein aggregates and inability to stimulate nuclear transcription. Loss of function is also a potential mechanism of disease for variants within the LXXLL motif (PMID: 10700177, PMID: 22351778, PMID: 26740551, PMID: 26301083). (I) 0107 - This gene is associated with autosomal dominant disease. (I) 0112 - The condition associated with this gene has incomplete penetrance (PMID: 10700177). (I) 0200 - Variant is predicted to result in a missense amino acid change from aspartic acid to tyrosine. (I) 0251 - This variant is heterozygous. (I) 0301 - Variant is absent from gnomAD (v2, v3 and v4). (SP) 0309 - Multiple alternative amino acid changes at the same position have been observed in gnomAD (v4) (highest allele count: 4 heterozygotes, 0 homozygotes). (I) 0502 - Missense variant with conflicting in silico predictions and uninformative conservation. (I) 0600 - Variant is located in an annotated spectrin repeat domain (DECIPHER). (I) 0705 - No comparable missense variants have previous evidence for pathogenicity. (I) 0807 - This variant has no previous evidence of pathogenicity. (I) 0905 - No published segregation evidence has been identified for this variant. (I) 1007 - No published functional evidence has been identified for this variant. (I) 1208 - Inheritance information for this variant is not currently available in this individual. (I) Legend: (SP) - Supporting pathogenic, (I) - Information, (SB) - Supporting benign

Literature cited by the submitters: PubMed 10700177; PubMed 22351778; PubMed 26301083; PubMed 26740551.

NM_004924.6(ACTN4):c.1342G>T (p.Asp448Tyr)

Gene: ACTN4 (actinin alpha 4; plus strand). Cytogenetic location: 19q13.2.
Variant type: single nucleotide variant.
Coding change: c.1342G>T on transcript NM_004924.6 (MANE Select); coding-DNA position 1342, G replaced by T.
Protein change: p.Asp448Tyr; replaces aspartic acid 448 with tyrosine.
Molecular consequence: missense variant.
Genome position (GRCh38, 1-based): chr19:38,721,588, G>T. VCF-style: chr19-38721588-G-T. GRCh37 (hg19) VCF-style: chr19-39212228-G-T.
Other names: c.1342G>T, p.Asp448Tyr (NM_001322033.2, NM_001411143.1); short protein forms D448Y.
Identifiers: ClinVar variation 3377287 (VCV003377287.1).